The following is an entry in ClinVar:

ClinVar aggregate classification (germline): Conflicting classifications of pathogenicity. Review status: criteria provided, conflicting classifications (1 of 4 stars). 2 submissions from 2 submitters: Likely pathogenic (1); Uncertain significance (1). Last evaluated 2024-05-23.

Conditions:
Retinal dystrophy. Also called: Inherited retinal dystrophy. Identifiers: Orphanet 71862, MedGen C0854723, MeSH D058499, MONDO:0019118, HP:0000556.

Submissions (2):

Labcorp Genetics (formerly Invitae), Labcorp
Classification: Uncertain significance. Last evaluated: 2024-05-23. Review status: criteria provided, single submitter. Criteria: Invitae Variant Classification Sherloc (09022015). Collection method: clinical testing. Allele origin: germline.
Comment: This sequence change replaces threonine, which is neutral and polar, with lysine, which is basic and polar, at codon 193 of the RHO protein (p.Thr193Lys). This variant is present in population databases (rs373974298, gnomAD 0.004%). This variant has not been reported in the literature in individuals affected with RHO-related conditions. Advanced modeling of protein sequence and biophysical properties (such as structural, functional, and spatial information, amino acid conservation, physicochemical variation, residue mobility, and thermodynamic stability) has been performed at Invitae for this missense variant, however the output from this modeling did not meet the statistical confidence thresholds required to predict the impact of this variant on RHO protein function. In summary, the available evidence is currently insufficient to determine the role of this variant in disease. Therefore, it has been classified as a Variant of Uncertain Significance.

Dept Of Ophthalmology, Nagoya University
Classification: Likely pathogenic for Retinal dystrophy. Last evaluated: 2023-10-01. Review status: criteria provided, single submitter. Criteria: Submitter's publication. Collection method: research. Allele origin: germline. Affected: yes.

NM_000539.3(RHO):c.578C>A (p.Thr193Lys)

Gene: RHO (rhodopsin; plus strand). Cytogenetic location: 3q22.1.
Variant type: single nucleotide variant.
Coding change: c.578C>A on transcript NM_000539.3 (MANE Select); coding-DNA position 578, C replaced by A.
Protein change: p.Thr193Lys; replaces threonine 193 with lysine.
Molecular consequence: missense variant.
Genome position (GRCh38, 1-based): chr3:129,532,298, C>A. VCF-style: chr3-129532298-C-A. GRCh37 (hg19) VCF-style: chr3-129251141-C-A.
Other names: short protein forms T193K.
Identifiers: ClinVar variation 3027576 (VCV003027576.3), dbSNP rs373974298, ClinGen allele CA2607210.